The following is an entry in ClinVar:

ClinVar aggregate classification (germline): Uncertain significance (1 of 4 stars; one submission).

Conditions:
Intellectual developmental disorder, autosomal recessive 73 (MRT73). Identifiers: MedGen C5676902, MONDO:0030533, OMIM 619717.

Submission:

Juno Genomics, Hangzhou Juno Genomics, Inc
Classification: Uncertain significance for Intellectual developmental disorder, autosomal recessive 73. Review status: criteria provided, single submitter. Criteria: ACMG Guidelines, 2015. Collection method: clinical testing. Allele origin: germline.
Comment: Absent from controls (or at extremely low frequency if recessive) in Genome Aggregation Database.;Multiple lines of computational evidence support a deleterious effect on the gene or gene product.

NM_016100.5(NAA20):c.306-5T>C

Gene: NAA20 (N-alpha-acetyltransferase 20, NatB catalytic subunit; plus strand). Cytogenetic location: 20p11.23.
Variant type: single nucleotide variant.
Coding change: c.306-5T>C on transcript NM_016100.5 (MANE Select); 5 bases into the intron before coding-DNA position 306, T replaced by C.
Molecular consequence: intron variant.
Genome position (GRCh38, 1-based): chr20:20,032,503, T>C. VCF-style: chr20-20032503-T-C. GRCh37 (hg19) VCF-style: chr20-20013147-T-C.
Other names: c.306-599T>C (NM_181528.3); c.270-5T>C (NM_181527.3).
Identifiers: ClinVar variation 5019282 (VCV005019282.2).